The following is an entry in ClinVar:

NM_000075.4(CDK4):c.782T>C (p.Val261Ala)

Genes: TSPAN31 (tetraspanin 31; plus strand), CDK4 (cyclin dependent kinase 4; minus strand). Cytogenetic location: 12q14.1.
Variant type: single nucleotide variant.
Coding change: c.782T>C on transcript NM_000075.4 (MANE Select); coding-DNA position 782, T replaced by C.
Protein change: p.Val261Ala; replaces valine 261 with alanine.
Molecular consequence: missense variant. On other transcripts: 3 prime UTR variant (3).
Genome position (GRCh38, 1-based): chr12:57,749,219, A>G on the plus strand (T>C on the coding strand, the complement: CDK4 is on the minus strand). VCF-style: chr12-57749219-A-G. GRCh37 (hg19) VCF-style: chr12-58143002-A-G.
Other names: c.*1929A>G (NM_001330168.2, NM_001330169.2, NM_005981.5); short protein forms V261A.
Identifiers: ClinVar variation 1052125 (VCV001052125.12), dbSNP rs2140382749, ClinGen allele CA385543157.

ClinVar aggregate classification (germline): Uncertain significance. Review status: criteria provided, multiple submitters, no conflicts (2 of 4 stars). 3 submissions from 3 submitters: Uncertain significance (3). Last evaluated 2022-08-16.

Conditions:
Hereditary cancer-predisposing syndrome. Also called: Tumor predisposition; Hereditary neoplastic syndrome; Hereditary Cancer Syndrome; Neoplastic Syndromes, Hereditary. Identifiers: Orphanet 140162, MedGen C0027672, MeSH D009386, MONDO:0015356.
Familial melanoma. Also called: Hereditary melanoma; Hereditary cutaneous melanoma. Identifiers: Orphanet 618, MedGen C1512419, MONDO:0018961.

Submissions (3):

Labcorp Genetics (formerly Invitae), Labcorp
Classification: Uncertain significance for Familial melanoma. Last evaluated: 2022-08-16. Review status: criteria provided, single submitter. Criteria: Invitae Variant Classification Sherloc (09022015). Collection method: clinical testing. Allele origin: germline.
Comment: This variant has not been reported in the literature in individuals affected with CDK4-related conditions. This variant is not present in population databases (gnomAD no frequency). This sequence change replaces valine, which is neutral and non-polar, with alanine, which is neutral and non-polar, at codon 261 of the CDK4 protein (p.Val261Ala). ClinVar contains an entry for this variant (Variation ID: 1052125). In summary, the available evidence is currently insufficient to determine the role of this variant in disease. Therefore, it has been classified as a Variant of Uncertain Significance. Advanced modeling of protein sequence and biophysical properties (such as structural, functional, and spatial information, amino acid conservation, physicochemical variation, residue mobility, and thermodynamic stability) performed at Invitae indicates that this missense variant is not expected to disrupt CDK4 protein function.

Ambry Genetics
Classification: Uncertain significance for Hereditary cancer-predisposing syndrome. Last evaluated: 2022-06-27. Review status: criteria provided, single submitter. Criteria: Ambry Variant Classification Scheme 2023. Collection method: clinical testing. Allele origin: germline.
Comment: The p.V261A variant (also known as c.782T>C), located in coding exon 6 of the CDK4 gene, results from a T to C substitution at nucleotide position 782. The valine at codon 261 is replaced by alanine, an amino acid with similar properties. This amino acid position is highly conserved in available vertebrate species. In addition, this alteration is predicted to be tolerated by in silico analysis. Since supporting evidence is limited at this time, the clinical significance of this alteration remains unclear.

Quest Diagnostics Nichols Institute San Juan Capistrano
Classification: Uncertain significance. Last evaluated: 2021-04-09. Review status: criteria provided, single submitter. Criteria: Quest Diagnostics criteria. Collection method: clinical testing. Allele origin: unknown.